The following is an entry in ClinVar:

ClinVar aggregate classification (germline): Conflicting classifications of pathogenicity. Review status: criteria provided, conflicting classifications (1 of 4 stars). 6 submissions from 6 submitters: Uncertain significance (5); Likely benign (1). Last evaluated 2025-05-19.

Conditions:
Familial cancer of breast. Also called: BREAST CANCER, FAMILIAL; Hereditary breast cancer; hereditary breast carcinoma. Identifiers: Orphanet 227535, MedGen C0346153, MONDO:0016419, OMIM 114480. Disease mechanism: loss of function.
Hereditary breast ovarian cancer syndrome. Also called: Hereditary breast and ovarian cancer; Hereditary breast and ovarian cancer syndrome; Breast and ovarian cancer; Hereditary breast and ovarian cancer syndrome (HBOC); Hereditary breast and/or ovarian cancer syndrome; BRCA1- and BRCA2-Associated Hereditary Breast and Ovarian Cancer. Identifiers: Orphanet 145, MedGen C0677776, MeSH D061325, MONDO:0003582. Disease mechanism: loss of function.
Breast-ovarian cancer, familial, susceptibility to, 2 (BROVCA2). Also called: BRCA2 Hereditary Breast and Ovarian Cancer. Identifiers: Orphanet 145, MedGen C2675520, MONDO:0012933, OMIM 612555. Disease mechanism: loss of function.
Hereditary cancer-predisposing syndrome. Also called: Hereditary Cancer Syndrome; Neoplastic Syndromes, Hereditary; Tumor predisposition; Hereditary neoplastic syndrome. Identifiers: Orphanet 140162, MedGen C0027672, MeSH D009386, MONDO:0015356.

Allele frequency attached by ClinVar (database versions not stated): gnomAD exomes below 0.00001; gnomAD 0.00001.
gnomAD v4.1: 2 of 1,613,900 alleles (0.00012%); highest among the groups gnomAD compares: Non-Finnish European, 0.00017%; no homozygotes.

Submissions (6):

Ambry Genetics
Classification: Likely benign for Hereditary cancer-predisposing syndrome. Last evaluated: 2025-05-19. Review status: criteria provided, single submitter. Criteria: Ambry Variant Classification Scheme 2023. Collection method: clinical testing. Allele origin: germline.

Labcorp Genetics (formerly Invitae), Labcorp
Classification: Uncertain significance for Hereditary breast ovarian cancer syndrome. Last evaluated: 2024-06-21. Review status: criteria provided, single submitter. Criteria: Invitae Variant Classification Sherloc (09022015). Collection method: clinical testing. Allele origin: germline.
Comment: This sequence change replaces serine, which is neutral and polar, with cysteine, which is neutral and slightly polar, at codon 2590 of the BRCA2 protein (p.Ser2590Cys). This variant is not present in population databases (gnomAD no frequency). This variant has not been reported in the literature in individuals affected with BRCA2-related conditions. ClinVar contains an entry for this variant (Variation ID: 185992). Advanced modeling of protein sequence and biophysical properties (such as structural, functional, and spatial information, amino acid conservation, physicochemical variation, residue mobility, and thermodynamic stability) performed at Invitae indicates that this missense variant is not expected to disrupt BRCA2 protein function with a negative predictive value of 95%. In summary, the available evidence is currently insufficient to determine the role of this variant in disease. Therefore, it has been classified as a Variant of Uncertain Significance.

All of Us Research Program, National Institutes of Health
Classification: Uncertain significance for Breast-ovarian cancer, familial, susceptibility to, 2. Last evaluated: 2023-08-23. Review status: criteria provided, single submitter. Criteria: ACMG Guidelines, 2015. Collection method: clinical testing. Allele origin: germline. Inheritance: Autosomal dominant inheritance. Observed: 1 variant allele, 1 heterozygote.
Comment: This missense variant replaces serine with cysteine at codon 2590 of the BRCA2 protein. Computational prediction is inconclusive regarding the impact of this variant on protein structure and function (internally defined REVEL score threshold 0.5 < inconclusive < 0.7, PMID: 27666373). To our knowledge, functional studies have not been reported for this variant. This variant has not been identified in the general population by the Genome Aggregation Database (gnomAD). The available evidence is insufficient to determine the role of this variant in disease conclusively. Therefore, this variant is classified as a Variant of Uncertain Significance.

This study involves interpretation of variants in research participants for the purpose of population health screening. Participant phenotype was not available at the time of variant classification. Additional details can be found in publication PMID: 35346344, PMCID: PMC8962531

Color Diagnostics, LLC DBA Color Health
Classification: Uncertain significance for Hereditary cancer-predisposing syndrome. Last evaluated: 2023-08-03. Review status: criteria provided, single submitter. Criteria: ACMG Guidelines, 2015. Collection method: clinical testing. Allele origin: germline.
Comment: This missense variant replaces serine with cysteine at codon 2590 of the BRCA2 protein. Computational prediction is inconclusive regarding the impact of this variant on protein structure and function (internally defined REVEL score threshold 0.5 < inconclusive < 0.7, PMID: 27666373). To our knowledge, functional studies have not been reported for this variant. This variant has not been identified in the general population by the Genome Aggregation Database (gnomAD). The available evidence is insufficient to determine the role of this variant in disease conclusively. Therefore, this variant is classified as a Variant of Uncertain Significance.

Women's Health and Genetics/Laboratory Corporation of America, LabCorp
Classification: Uncertain significance. Last evaluated: 2019-02-08. Review status: criteria provided, single submitter. Criteria: LabCorp Variant Classification Summary - May 2015. Collection method: clinical testing. Allele origin: germline.
Comment: Variant summary: BRCA2 c.7769C>G (p.Ser2590Cys) results in a non-conservative amino acid change located in the Breast cancer type 2 susceptibility protein, helical domain of the encoded protein sequence. Four of five in-silico tools predict a damaging effect of the variant on protein function. The variant was absent in 246220 control chromosomes (gnomAD). The available data on variant occurrences in the general population are insufficient to allow any conclusion about variant significance. To our knowledge, no occurrence of c.7769C>G in individuals affected with Hereditary Breast and Ovarian Cancer and no experimental evidence demonstrating its impact on protein function have been reported. A ClinVar submission from a clinical diagnostic laboratory (evaluation after 2014) cites the variant as uncertain significance. Based on the evidence outlined above, the variant was classified as uncertain significance.

Institute of Human Genetics, University of Leipzig Medical Center
Classification: Uncertain significance for Familial cancer of breast. Last evaluated: 2019-01-01. Review status: criteria provided, single submitter. Criteria: ACMG Guidelines, 2015. Collection method: clinical testing. Allele origin: unknown. Affected: yes.

NM_000059.4(BRCA2):c.7769C>G (p.Ser2590Cys)

Gene: BRCA2 (BRCA2 DNA repair associated; plus strand). Cytogenetic location: 13q13.1.
Variant type: single nucleotide variant.
Coding change: c.7769C>G on transcript NM_000059.4 (MANE Select); coding-DNA position 7769, C replaced by G.
Protein change: p.Ser2590Cys; replaces serine 2590 with cysteine.
Molecular consequence: missense variant.
Genome position (GRCh38, 1-based): chr13:32,357,893, C>G. VCF-style: chr13-32357893-C-G. GRCh37 (hg19) VCF-style: chr13-32932030-C-G.
Other names: short protein forms S2590C.
Identifiers: ClinVar variation 185992 (VCV000185992.26), dbSNP rs786202615, ClinGen allele CA025269.
Genomic context (GRCh38, chr13:32,357,893, plus strand): 5'-AGGAAAGTTTATGGACTGGAAAAGGAATACAGTTGGCTGATGGTGGATGGCTCATACCCT[C>G]CAATGATGGAAAGGCTGGAAAAGAAGAATTTTATAGGTACTCTATGCAAAAAGATTGTGT-3'
Protein context (NP_000050.3, residues 2580-2600): QLADGGWLIP[Ser2590Cys]NDGKAGKEEF